The following is an entry in ClinVar:

NM_001374736.1(DST):c.14134C>T (p.Leu4712Phe)

Genes: DST (dystonin; minus strand), LOC129389544 (MPRA-validated peak5860 silencer; plus strand). Cytogenetic location: 6p12.1.
Variant type: single nucleotide variant.
Coding change: c.14134C>T on transcript NM_001374736.1 (MANE Select); coding-DNA position 14134, C replaced by T.
Protein change: p.Leu4712Phe; replaces leucine 4712 with phenylalanine.
Molecular consequence: missense variant.
Genome position (GRCh38, 1-based): chr6:56,561,484, G>A on the plus strand (C>T on the coding strand, the complement: DST is on the minus strand). VCF-style: chr6-56561484-G-A. GRCh37 (hg19) VCF-style: chr6-56426282-G-A.
Other names: c.14134C>T, p.Leu4712Phe (NM_001374722.1); c.13501C>T, p.Leu4501Phe (NM_001374729.1); c.7243C>T, p.Leu2415Phe (NM_001374730.1, NM_001386100.1, NM_183380.4); c.14161C>T, p.Leu4721Phe (NM_001374734.1); c.7777C>T, p.Leu2593Phe (NM_001144769.5); c.7363C>T, p.Leu2455Phe (NM_001144770.2); c.6265C>T, p.Leu2089Phe (NM_015548.5); short protein forms L2089F, L2415F, L2455F, L2593F, L4501F, L4712F, L4721F.
Identifiers: ClinVar variation 1013910 (VCV001013910.7), dbSNP rs376647921, ClinGen allele CA3868088.

ClinVar aggregate classification (germline): Uncertain significance (1 of 4 stars; one submission).

Conditions:
Hereditary sensory and autonomic neuropathy type 6. Also called: HSAN VI; Neuropathy, hereditary sensory and autonomic, type VI. Identifiers: Orphanet 314381, MedGen C3539003, MONDO:0013839, OMIM 614653.
Epidermolysis bullosa simplex 3, localized or generalized intermediate, with BP230 deficiency (EBS3). Also called: Epidermolysis bullosa simplex, autosomal recessive 2; Epidermolysis bullosa simplex due to BP230 deficiency. Identifiers: Orphanet 412181, MedGen C3809470, MONDO:0014180, OMIM 615425.

Allele frequency attached by ClinVar (database versions not stated): gnomAD 0.00001; TOPMed 0.00003; ExAC 0.00007; gnomAD exomes 0.00009.
gnomAD v4.1: 23 of 1,613,722 alleles (0.0014%); highest among the groups gnomAD compares: East Asian, 0.049%; no homozygotes.

Submission:

Labcorp Genetics (formerly Invitae), Labcorp
Classification: Uncertain significance for Epidermolysis bullosa simplex 3, localized or generalized intermediate, with BP230 deficiency; Hereditary sensory and autonomic neuropathy type 6. Last evaluated: 2021-02-25. Review status: criteria provided, single submitter. Criteria: Invitae Variant Classification Sherloc (09022015). Collection method: clinical testing. Allele origin: germline.
Comment: This sequence change replaces leucine with phenylalanine at codon 2089 of the DST protein (p.Leu2089Phe). The DST gene has multiple clinically relevant transcripts. This variant occurs in alternate transcript NM_015548.4, and corresponds to NM_001723.5:c.*54033C>T in the primary transcript. This variant is present in population databases (rs376647921, ExAC 0.1%). This variant has not been reported in the literature in individuals with DST-related conditions. Experimental studies and prediction algorithms are not available or were not evaluated, and the functional significance of this variant is currently unknown. In summary, the available evidence is currently insufficient to determine the role of this variant in disease. Therefore, it has been classified as a Variant of Uncertain Significance.